The following is an entry in ClinVar:

NM_001035.3(RYR2):c.7938G>C (p.Trp2646Cys)

Gene: RYR2 (ryanodine receptor 2; plus strand). Cytogenetic location: 1q43.
Variant type: single nucleotide variant.
Coding change: c.7938G>C on transcript NM_001035.3 (MANE Select); coding-DNA position 7938, G replaced by C.
Protein change: p.Trp2646Cys; replaces tryptophan 2646 with cysteine.
Molecular consequence: missense variant.
Genome position (GRCh38, 1-based): chr1:237,654,387, G>C. VCF-style: chr1-237654387-G-C. GRCh37 (hg19) VCF-style: chr1-237817687-G-C.
Other names: short protein forms W2646C.
Identifiers: ClinVar variation 4843938 (VCV004843938.1).

ClinVar aggregate classification (germline): Uncertain significance (1 of 4 stars; one submission).

Conditions:
Cardiovascular phenotype. Identifiers: MedGen CN230736.

Submission:

Ambry Genetics
Classification: Uncertain significance for Cardiovascular phenotype. Last evaluated: 2026-01-02. Review status: criteria provided, single submitter. Criteria: Ambry Variant Classification Scheme 2023. Collection method: clinical testing. Allele origin: germline.
Comment: The p.W2646C variant (also known as c.7938G>C), located in coding exon 52 of the RYR2 gene, results from a G to C substitution at nucleotide position 7938. The tryptophan at codon 2646 is replaced by cysteine, an amino acid with highly dissimilar properties. This amino acid position is conserved. In addition, this alteration is predicted to be deleterious by in silico analysis. Based on the available evidence, the clinical significance of this variant remains unclear.